The following is an entry in ClinVar:

ClinVar aggregate classification (germline): Uncertain significance (1 of 4 stars; one submission).

Conditions:
Hyperaldosteronism, familial, type IV (HALD4). Also called: FH IV; ALDOSTERONISM, PRIMARY, AND HYPERTENSION. Identifiers: Orphanet 642671, MedGen C4310756, MONDO:0014875, OMIM 617027.
Idiopathic generalized epilepsy. Also called: Generalised epilepsy; EIG. Identifiers: MedGen C0270850, MONDO:0005579, OMIM 600669.

Allele frequency attached by ClinVar (database versions not stated): gnomAD exomes below 0.00001.
gnomAD v4.1: 2 of 1,613,020 alleles (0.00012%); highest among the groups gnomAD compares: Non-Finnish European, 0.00017%; no homozygotes.

Submission:

Labcorp Genetics (formerly Invitae), Labcorp
Classification: Uncertain significance for Idiopathic generalized epilepsy; Hyperaldosteronism, familial, type IV. Last evaluated: 2021-04-06. Review status: criteria provided, single submitter. Criteria: Invitae Variant Classification Sherloc (09022015). Collection method: clinical testing. Allele origin: germline.
Comment: In summary, the available evidence is currently insufficient to determine the role of this variant in disease. Therefore, it has been classified as a Variant of Uncertain Significance. Advanced modeling of protein sequence and biophysical properties (such as structural, functional, and spatial information, amino acid conservation, physicochemical variation, residue mobility, and thermodynamic stability) performed at Invitae indicates that this missense variant is expected to disrupt CACNA1H protein function. This variant has not been reported in the literature in individuals with CACNA1H-related conditions. This variant is not present in population databases (ExAC no frequency). This sequence change replaces threonine with isoleucine at codon 833 of the CACNA1H protein (p.Thr833Ile). The threonine residue is highly conserved and there is a moderate physicochemical difference between threonine and isoleucine.

NM_021098.3(CACNA1H):c.2498C>T (p.Thr833Ile)

Gene: CACNA1H (calcium voltage-gated channel subunit alpha1 H; plus strand). Cytogenetic location: 16p13.3.
Variant type: single nucleotide variant.
Coding change: c.2498C>T on transcript NM_021098.3 (MANE Select); coding-DNA position 2498, C replaced by T.
Protein change: p.Thr833Ile; replaces threonine 833 with isoleucine.
Molecular consequence: missense variant.
Genome position (GRCh38, 1-based): chr16:1,205,160, C>T. VCF-style: chr16-1205160-C-T. GRCh37 (hg19) VCF-style: chr16-1255160-C-T.
Other names: c.2498C>T, p.Thr833Ile (NM_001005407.2); short protein forms T833I.
Identifiers: ClinVar variation 1385365 (VCV001385365.8), dbSNP rs1404959892, ClinGen allele CA394167395.